The following is an entry in ClinVar:

ClinVar aggregate classification (germline): other (0 of 4 stars; one submission).

Conditions:
Familial colorectal cancer. Identifiers: MedGen CN280943, MONDO:0023113. Disease mechanism: loss of function.

Submission:

Systems Biology Platform Zhejiang California International NanoSystems Institute
Classification: other for Familial colorectal cancer. Review status: no assertion criteria provided. Collection method: not provided. Allele origin: unknown.
ClinVar note: Converted during submission from cancer to other.

NM_000038.6(APC):c.136-2828T>A

Gene: APC (APC regulator of WNT signaling pathway; plus strand). Cytogenetic location: 5q22.2.
Variant type: single nucleotide variant.
Coding change: c.136-2828T>A on transcript NM_000038.6 (MANE Select); 2828 bases into the intron before coding-DNA position 136, T replaced by A.
Molecular consequence: intron variant.
Genome position (GRCh38, 1-based): chr5:112,763,498, T>A. VCF-style: chr5-112763498-T-A. GRCh37 (hg19) VCF-style: chr5-112099195-T-A.
Other names: c.136-2828T>A (NM_001354895.2, NM_001127510.3, NM_001354896.2 and 2 more transcripts); c.166-2828T>A (NM_001354897.2, NM_001354902.2, NM_001127511.3); c.61-2828T>A (NM_001354898.2, NM_001354904.2); c.-900-2828T>A (NM_001354906.2); c.-42-2828T>A (NM_001354900.2, NM_001354901.2, NM_001354905.2).
Identifiers: ClinVar variation 82852 (VCV000082852.2), dbSNP rs79248399, ClinGen allele CA004635.